The following is an entry in ClinVar:

NM_206933.4(USH2A):c.3170A>G (p.Gln1057Arg)

Genes: USH2A (usherin; minus strand), USH2A-AS1 (USH2A antisense RNA 1; plus strand). Cytogenetic location: 1q41.
Variant type: single nucleotide variant.
Coding change: c.3170A>G on transcript NM_206933.4 (MANE Select); coding-DNA position 3170, A replaced by G.
Protein change: p.Gln1057Arg; replaces glutamine 1057 with arginine.
Molecular consequence: missense variant.
Genome position (GRCh38, 1-based): chr1:216,207,419, T>C on the plus strand (A>G on the coding strand, the complement: USH2A is on the minus strand). VCF-style: chr1-216207419-T-C. GRCh37 (hg19) VCF-style: chr1-216380761-T-C.
Other names: c.3170A>G, p.Gln1057Arg (NM_007123.6); short protein forms Q1057R.
Identifiers: ClinVar variation 48498 (VCV000048498.7), dbSNP rs111033377, ClinGen allele CA143459.

ClinVar aggregate classification (germline): Uncertain significance. Review status: criteria provided, multiple submitters, no conflicts (2 of 4 stars). 4 submissions from 3 submitters: Uncertain significance (4). Last evaluated 2023-11-04.

Conditions:
Retinitis pigmentosa 39 (RP39). Identifiers: Orphanet 791, MedGen C3151138, MONDO:0013436, OMIM 613809.
Usher syndrome type 2A. Also called: RETINAL DISEASE IN USHER SYNDROME TYPE IIA, MODIFIER OF; USHER SYNDROME, TYPE IIA. Identifiers: Orphanet 231178, Orphanet 886, MedGen C1848634, MONDO:0010169, OMIM 276901.

Submissions (4):

Genome-Nilou Lab
Classification: Uncertain significance for Retinitis pigmentosa 39. Last evaluated: 2023-11-04. Review status: criteria provided, single submitter. Criteria: ACMG Guidelines, 2015. Collection method: clinical testing. Allele origin: germline. Affected: no.

Genome-Nilou Lab
Classification: Uncertain significance for Usher syndrome type 2A. Last evaluated: 2023-11-04. Review status: criteria provided, single submitter. Criteria: ACMG Guidelines, 2015. Collection method: clinical testing. Allele origin: germline. Affected: no.

Labcorp Genetics (formerly Invitae), Labcorp
Classification: Uncertain significance. Last evaluated: 2022-05-09. Review status: criteria provided, single submitter. Criteria: Invitae Variant Classification Sherloc (09022015). Collection method: clinical testing. Allele origin: germline.
Comment: This sequence change replaces glutamine, which is neutral and polar, with arginine, which is basic and polar, at codon 1057 of the USH2A protein (p.Gln1057Arg). This variant is not present in population databases (gnomAD no frequency). This variant has not been reported in the literature in individuals affected with USH2A-related conditions. ClinVar contains an entry for this variant (Variation ID: 48498). Algorithms developed to predict the effect of missense changes on protein structure and function are either unavailable or do not agree on the potential impact of this missense change (SIFT: "Deleterious"; PolyPhen-2: "Probably Damaging"; Align-GVGD: "Class C0"). In summary, the available evidence is currently insufficient to determine the role of this variant in disease. Therefore, it has been classified as a Variant of Uncertain Significance.

Laboratory for Molecular Medicine, Mass General Brigham Personalized Medicine
Classification: Uncertain significance. Last evaluated: 2008-03-01. Review status: criteria provided, single submitter. Criteria: LMM Criteria. Collection method: clinical testing. Allele origin: germline. Observed: 1 variant allele.